The following is an entry in ClinVar:

NM_000057.4(BLM):c.1448G>A (p.Arg483Lys)

Gene: BLM (BLM RecQ like helicase; plus strand). Cytogenetic location: 15q26.1.
Variant type: single nucleotide variant.
Coding change: c.1448G>A on transcript NM_000057.4 (MANE Select); coding-DNA position 1448, G replaced by A.
Protein change: p.Arg483Lys; replaces arginine 483 with lysine.
Molecular consequence: missense variant.
Genome position (GRCh38, 1-based): chr15:90,760,821, G>A. VCF-style: chr15-90760821-G-A. GRCh37 (hg19) VCF-style: chr15-91304051-G-A.
Other names: c.1448G>A, p.Arg483Lys (NM_001287246.2, NM_001287247.2); c.323G>A, p.Arg108Lys (NM_001287248.2); short protein forms R108K, R483K.
Identifiers: ClinVar variation 2767429 (VCV002767429.4), dbSNP rs2505425735, ClinGen allele CA393843076.

ClinVar aggregate classification (germline): Uncertain significance. Review status: criteria provided, multiple submitters, no conflicts (2 of 4 stars). 2 submissions from 2 submitters: Uncertain significance (2). Last evaluated 2024-05-06.

Conditions:
Hereditary cancer-predisposing syndrome. Also called: Hereditary neoplastic syndrome; Neoplastic Syndromes, Hereditary; Hereditary Cancer Syndrome; Tumor predisposition. Identifiers: Orphanet 140162, MedGen C0027672, MeSH D009386, MONDO:0015356.
Bloom syndrome (BLM). Also called: Bloom-Torre-Machacek syndrome. Identifiers: Orphanet 125, MedGen C0005859, MONDO:0008876, OMIM 210900.

Submissions (2):

Ambry Genetics
Classification: Uncertain significance for Hereditary cancer-predisposing syndrome. Last evaluated: 2024-05-06. Review status: criteria provided, single submitter. Criteria: Ambry Variant Classification Scheme 2023. Collection method: clinical testing. Allele origin: germline.
Comment: The p.R483K variant (also known as c.1448G>A), located in coding exon 6 of the BLM gene, results from a G to A substitution at nucleotide position 1448. The arginine at codon 483 is replaced by lysine, an amino acid with highly similar properties. This amino acid position is conserved. In addition, this alteration is predicted to be tolerated by in silico analysis. Based on the available evidence, the clinical significance of this variant remains unclear.

Labcorp Genetics (formerly Invitae), Labcorp
Classification: Uncertain significance for Bloom syndrome. Last evaluated: 2023-10-10. Review status: criteria provided, single submitter. Criteria: Invitae Variant Classification Sherloc (09022015). Collection method: clinical testing. Allele origin: germline.
Comment: This sequence change replaces arginine, which is basic and polar, with lysine, which is basic and polar, at codon 483 of the BLM protein (p.Arg483Lys). This variant is not present in population databases (gnomAD no frequency). This variant has not been reported in the literature in individuals affected with BLM-related conditions. Advanced modeling of protein sequence and biophysical properties (such as structural, functional, and spatial information, amino acid conservation, physicochemical variation, residue mobility, and thermodynamic stability) performed at Invitae indicates that this missense variant is not expected to disrupt BLM protein function. In summary, the available evidence is currently insufficient to determine the role of this variant in disease. Therefore, it has been classified as a Variant of Uncertain Significance.